The following is an entry in ClinVar:

ClinVar aggregate classification (germline): Conflicting classifications of pathogenicity. Review status: criteria provided, conflicting classifications (1 of 4 stars). 5 submissions from 4 submitters: Uncertain significance (3); Likely benign (2). Last evaluated 2025-10-06.

Conditions:
Chronic infantile neurological, cutaneous and articular syndrome (CINCA). Also called: CHRONIC NEUROLOGIC CUTANEOUS AND ARTICULAR SYNDROME; Prieur Griscelli syndrome; CINCA syndrome; CRYOPYRIN-ASSOCIATED PERIODIC SYNDROME 3. Identifiers: Orphanet 1451, MedGen C0409818, MONDO:0011776, OMIM 607115.
Keratitis fugax hereditaria. Also called: KERATOENDOTHELIITIS FUGAX HEREDITARIA. Identifiers: Orphanet 647815, MedGen C1835697, MONDO:0007849, OMIM 148200.
Familial cold autoinflammatory syndrome 1 (FCAS1). Also called: CRYOPYRIN-ASSOCIATED PERIODIC SYNDROME 1; Familial cold inflammatory syndrome 1. Identifiers: Orphanet 47045, MedGen C4551895, MONDO:0007349, OMIM 120100.
Familial amyloid nephropathy with urticaria AND deafness (MWS). Also called: MUCKLE-WELLS SYNDROME; Urticaria, deafness and amyloidosis; UDA SYNDROME; URTICARIA-DEAFNESS-AMYLOIDOSIS SYNDROME; CRYOPYRIN-ASSOCIATED PERIODIC SYNDROME 2. Identifiers: Orphanet 575, MedGen C0268390, MONDO:0008633, OMIM 191900.
Hearing loss, autosomal dominant 34, with or without inflammation. Also called: DEAFNESS, AUTOSOMAL DOMINANT 34, WITH OR WITHOUT INFLAMMATION. Identifiers: MedGen C4521680, MONDO:0033261, OMIM 617772.
Cryopyrin associated periodic syndrome (CAPS). Identifiers: Orphanet 208650, MedGen C2316212, MONDO:0016168.

Allele frequency attached by ClinVar (database versions not stated): gnomAD 0.00001; TOPMed 0.00001; ExAC 0.00003; gnomAD exomes 0.00007.
gnomAD v4.1: 19 of 1,612,560 alleles (0.0012%); highest among the groups gnomAD compares: Admixed American, 0.023%; no homozygotes.

Submissions (5):

Labcorp Genetics (formerly Invitae), Labcorp
Classification: Likely benign for Cryopyrin associated periodic syndrome. Last evaluated: 2025-10-06. Review status: criteria provided, single submitter. Criteria: Invitae Variant Classification Sherloc (09022015). Collection method: clinical testing. Allele origin: germline.

Fulgent Genetics
Classification: Uncertain significance for Familial cold autoinflammatory syndrome 1; Keratitis fugax hereditaria; Familial amyloid nephropathy with urticaria AND deafness; Chronic infantile neurological, cutaneous and articular syndrome; Hearing loss, autosomal dominant 34, with or without inflammation. Last evaluated: 2024-06-20. Review status: criteria provided, single submitter. Criteria: ACMG Guidelines, 2015. Collection method: clinical testing. Allele origin: germline.

GeneDx
Classification: Likely benign. Last evaluated: 2020-03-19. Review status: criteria provided, single submitter. Criteria: GeneDx Variant Classification Process June 2021. Collection method: clinical testing. Allele origin: germline. Affected: yes.
Comment: In silico analysis supports that this missense variant does not alter protein structure/function; Has not been previously published as pathogenic or benign to our knowledge

Center for Genomics, Ann and Robert H. Lurie Children's Hospital of Chicago
Classification: Uncertain significance for Chronic infantile neurological, cutaneous and articular syndrome; Familial cold autoinflammatory syndrome 1; Familial amyloid nephropathy with urticaria AND deafness. Last evaluated: 2018-10-24. Review status: criteria provided, single submitter. Criteria: ACMG Guidelines, 2015. Collection method: clinical testing. Allele origin: germline.
Comment: NLRP3 NM_004895.4 exon 3 p.Asp702Asn (c.2104G>A): This variant has not been reported in the literature but is present in 0.03% (13/33578) of Latino alleles in the Genome Aggregation Database. Evolutionary conservation and computational predictive tools suggest that this variant may not impact the protein. In summary, data on this variant is insufficient for disease classification. Therefore, the clinical significance of this variant is uncertain.

Center for Genomics, Ann and Robert H. Lurie Children's Hospital of Chicago
Classification: Uncertain significance for Chronic infantile neurological, cutaneous and articular syndrome; Familial cold autoinflammatory syndrome 1; Keratitis fugax hereditaria; Hearing loss, autosomal dominant 34, with or without inflammation; Familial amyloid nephropathy with urticaria AND deafness. Review status: criteria provided, single submitter. Criteria: ACMG Guidelines, 2015. Collection method: clinical testing. Allele origin: germline.
Comment: the same text as in the submission from Center for Genomics, Ann and Robert H. Lurie Children's Hospital of Chicago above.

NM_001243133.2(NLRP3):c.2098G>A (p.Asp700Asn)

Gene: NLRP3 (NLR family pyrin domain containing 3; plus strand). Cytogenetic location: 1q44.
Variant type: single nucleotide variant.
Coding change: c.2098G>A on transcript NM_001243133.2 (MANE Select); coding-DNA position 2098, G replaced by A.
Protein change: p.Asp700Asn; replaces aspartic acid 700 with asparagine.
Molecular consequence: missense variant.
Genome position (GRCh38, 1-based): chr1:247,425,547, G>A. VCF-style: chr1-247425547-G-A. GRCh37 (hg19) VCF-style: chr1-247588849-G-A.
Other names: c.2098G>A, p.Asp700Asn (NM_001079821.3, NM_001127461.3, NM_001127462.3 and 1 more transcripts); c.2104G>A, p.Asp702Asn (NM_004895.5); short protein forms D702N, D700N.
Identifiers: ClinVar variation 625986 (VCV000625986.11), dbSNP rs781561828, ClinGen allele CA1495111.